The following is an entry in ClinVar:

ClinVar aggregate classification (germline): Uncertain significance (1 of 4 stars; one submission).

Conditions:
Familial thoracic aortic aneurysm and aortic dissection (TAAD). Also called: Thoracic aortic aneurysms and dissections. Identifiers: Orphanet 91387, MedGen C4707243, MONDO:0019625.

Submission:

Ambry Genetics
Classification: Uncertain significance for Familial thoracic aortic aneurysm and aortic dissection. Last evaluated: 2023-02-03. Review status: criteria provided, single submitter. Criteria: Ambry Variant Classification Scheme 2023. Collection method: clinical testing. Allele origin: germline.
Comment: The p.W419S variant (also known as c.1256G>C), located in coding exon 12 of the PLOD1 gene, results from a G to C substitution at nucleotide position 1256. The tryptophan at codon 419 is replaced by serine, an amino acid with highly dissimilar properties. This amino acid position is conserved. In addition, this alteration is predicted to be deleterious by in silico analysis. Since supporting evidence is limited at this time, the clinical significance of this alteration remains unclear.

NM_000302.4(PLOD1):c.1256G>C (p.Trp419Ser)

Gene: PLOD1 (procollagen-lysine,2-oxoglutarate 5-dioxygenase 1; plus strand). Cytogenetic location: 1p36.22.
Variant type: single nucleotide variant.
Coding change: c.1256G>C on transcript NM_000302.4 (MANE Select); coding-DNA position 1256, G replaced by C.
Protein change: p.Trp419Ser; replaces tryptophan 419 with serine.
Molecular consequence: missense variant.
Genome position (GRCh38, 1-based): chr1:11,964,228, G>C. VCF-style: chr1-11964228-G-C. GRCh37 (hg19) VCF-style: chr1-12024285-G-C.
Other names: c.1397G>C, p.Trp466Ser (NM_001316320.2); short protein forms W419S, W466S.
Identifiers: ClinVar variation 2450251 (VCV002450251.2), dbSNP rs2522852329, ClinGen allele CA338441295.